The following is an entry in ClinVar:

ClinVar aggregate classification (germline): Benign. Review status: criteria provided, multiple submitters, no conflicts (2 of 4 stars). 2 submissions from 2 submitters: Benign (2). Last evaluated 2016-03-29.

Allele frequency attached by ClinVar (database versions not stated): gnomAD exomes 0.81799 and 0.85407; ESP Exome Variant Server 0.83838; gnomAD 0.84796 and 0.85324; ExAC 0.85197; TOPMed 0.86056; 1000 Genomes Project 0.92033; 1000 Genomes Project 30x 0.92083.
gnomAD v4.1: 1,326,028 of 1,612,986 alleles (82%); highest among the groups gnomAD compares: East Asian, 97%; 547,967 homozygotes.

Submissions (2):

Laboratory for Molecular Medicine, Mass General Brigham Personalized Medicine
Classification: Benign. Last evaluated: 2016-03-29. Review status: criteria provided, single submitter. Criteria: LMM Criteria. Collection method: clinical testing. Allele origin: germline.
Comment: Variant identified in a genome or exome case(s) and assessed due to predicted null impact of the variant or pathogenic assertions in the literature or databases. Disclaimer: This variant has not undergone full assessment. The following are preliminary notes: Frequency

Breakthrough Genomics
Classification: Benign. Review status: criteria provided, single submitter. Criteria: ACMG Guidelines, 2015. Collection method: not provided. Allele origin: germline. Inheritance: Unknown mechanism. Affected: yes.

NM_001350197.2(EVI5):c.2340T>C (p.Gly780=)

Gene: EVI5 (ecotropic viral integration site 5; minus strand). Cytogenetic location: 1p22.1.
Variant type: single nucleotide variant.
Coding change: c.2340T>C on transcript NM_001350197.2 (MANE Select); coding-DNA position 2340, T replaced by C.
Protein change: p.Gly780=; no amino-acid change (glycine 780 retained).
Molecular consequence: synonymous variant. On other transcripts: 3 prime UTR variant (2).
Genome position (GRCh38, 1-based): chr1:92,513,797, A>G on the plus strand (T>C on the coding strand, the complement: EVI5 is on the minus strand). VCF-style: chr1-92513797-A-G. GRCh37 (hg19) VCF-style: chr1-92979354-A-G.
Other names: c.2325T>C, p.Gly775= (NM_001308248.2); c.*124T>C (NM_001350198.2, NM_001377213.1); c.2316T>C, p.Gly772= (NM_001377210.1); c.2202T>C, p.Gly734= (NM_001377211.1); c.2193T>C, p.Gly731= (NM_001377212.1); c.2292T>C, p.Gly764= (NM_005665.6).
Identifiers: ClinVar variation 402836 (VCV000402836.5), dbSNP rs6603979, ClinGen allele CA951562.
Genomic context (GRCh38, chr1:92,513,797, plus strand): 5'-CACACTGTCTTCTGTTTCGCTCTCACTACCATCTGCCACTGCGGGGTCCAAAGACATCGA[A>G]CCAGATTTTCCGTGCAAAGGAAAACCAACACCAGTTTCCTGTAAGGAATTATCTATAAAA-3'
Protein context (NP_001337126.1, residues 770-790): GVGFPLHGKS[Gly780=]SMSLDPAVAD